The following is an entry in ClinVar:

NM_000420.3(KEL):c.1306C>T (p.Arg436Ter)

Gene: KEL (Kell metallo-endopeptidase (Kell blood group); minus strand). Cytogenetic location: 7q34.
Variant type: single nucleotide variant.
Coding change: c.1306C>T on transcript NM_000420.3 (MANE Select); coding-DNA position 1306, C replaced by T.
Protein change: p.Arg436Ter; replaces arginine 436 with a stop codon.
Molecular consequence: nonsense.
Genome position (GRCh38, 1-based): chr7:142,946,215, G>A on the plus strand (C>T on the coding strand, the complement: KEL is on the minus strand). VCF-style: chr7-142946215-G-A. GRCh37 (hg19) VCF-style: chr7-142643302-G-A.
Other names: short protein forms R436*.
Identifiers: ClinVar variation 4849819 (VCV004849819.1).

ClinVar aggregate classification (germline): Affects (0 of 4 stars; one submission).

Conditions:
Kell blood group system (KEL). Also called: BLOOD GROUP--KELL-CELLANO SYSTEM; K(0); Ko. Identifiers: MedGen C0022546, OMIM 110900.

Submission:

National Institute of Immunohaematology, Indian Council of Medical Research
Classification: Affects for Kell blood group system. Review status: no assertion criteria provided. Collection method: research. Allele origin: germline. Inheritance: Autosomal recessive inheritance. Affected: yes.
Comment: Chromosome 7: KEL:NM_000420.3: Exon11: c.C1306T: p.R436X variant caused protein truncation causingn K null phenotype.

Literature cited by the submitters: DOI 10.1111/trf.12205.